The following is an entry in ClinVar:

NM_033124.5(DRC2):c.208C>T (p.Arg70Trp)

Gene: DRC2 (dynein regulatory complex subunit 2; plus strand). Cytogenetic location: 12q13.12.
Variant type: single nucleotide variant.
Coding change: c.208C>T on transcript NM_033124.5 (MANE Select); coding-DNA position 208, C replaced by T.
Protein change: p.Arg70Trp; replaces arginine 70 with tryptophan.
Molecular consequence: missense variant. On other transcripts: 5 prime UTR variant (1).
Genome position (GRCh38, 1-based): chr12:48,905,021, C>T. VCF-style: chr12-48905021-C-T. GRCh37 (hg19) VCF-style: chr12-49298804-C-T.
Other names: c.-222C>T (NM_001286957.2); short protein forms R70W.
Identifiers: ClinVar variation 2044463 (VCV002044463.4), dbSNP rs748450007, ClinGen allele CA6543180.

ClinVar aggregate classification (germline): Uncertain significance (1 of 4 stars; one submission).

Conditions:
Primary ciliary dyskinesia 27. Also called: CILIARY DYSKINESIA, PRIMARY, 27, WITHOUT SITUS INVERSUS. Identifiers: Orphanet 244, MedGen C3809701, MONDO:0014215, OMIM 615504.

Allele frequency attached by ClinVar (database versions not stated): gnomAD 0.00003; ExAC 0.00009.
gnomAD v4.1: 74 of 1,613,852 alleles (0.0046%); highest among the groups gnomAD compares: South Asian, 0.072%; 2 homozygotes.

Submission:

Labcorp Genetics (formerly Invitae), Labcorp
Classification: Uncertain significance for Primary ciliary dyskinesia 27. Last evaluated: 2022-08-09. Review status: criteria provided, single submitter. Criteria: Invitae Variant Classification Sherloc (09022015). Collection method: clinical testing. Allele origin: germline.
Comment: This sequence change replaces arginine, which is basic and polar, with tryptophan, which is neutral and slightly polar, at codon 70 of the CCDC65 protein (p.Arg70Trp). This variant is present in population databases (rs748450007, gnomAD 0.05%), including at least one homozygous and/or hemizygous individual. This variant has not been reported in the literature in individuals affected with CCDC65-related conditions. Algorithms developed to predict the effect of missense changes on protein structure and function are either unavailable or do not agree on the potential impact of this missense change (SIFT: "Deleterious"; PolyPhen-2: "Probably Damaging"; Align-GVGD: "Class C0"). In summary, the available evidence is currently insufficient to determine the role of this variant in disease. Therefore, it has been classified as a Variant of Uncertain Significance.